The following is an entry in ClinVar:

ClinVar aggregate classification (germline): Conflicting classifications of pathogenicity. Review status: criteria provided, conflicting classifications (1 of 4 stars). 4 submissions from 4 submitters: Uncertain significance (1); Likely benign (2). 1 of the submissions does not count toward it. Last evaluated 2026-02-01.

Conditions:
Inborn genetic diseases. Identifiers: MedGen C0950123, MeSH D030342.
DSG1-related disorder. Also called: DSG1-related condition.

Allele frequency attached by ClinVar (database versions not stated): gnomAD 0.00092 and 0.00099; ESP Exome Variant Server 0.00108; TOPMed 0.00109.
gnomAD v4.1: 312 of 1,614,084 alleles (0.019%); highest among the groups gnomAD compares: African/African-American, 0.29%; no homozygotes.

Submissions (4):

Labcorp Genetics (formerly Invitae), Labcorp
Classification: Likely benign. Last evaluated: 2026-02-01. Review status: criteria provided, single submitter. Criteria: Invitae Variant Classification Sherloc (09022015). Collection method: clinical testing. Allele origin: germline.

Ambry Genetics
Classification: Uncertain significance for Inborn genetic diseases. Last evaluated: 2025-01-18. Review status: criteria provided, single submitter. Criteria: Ambry Variant Classification Scheme 2023. Collection method: clinical testing. Allele origin: germline.

Breakthrough Genomics
Classification: Likely benign. Review status: criteria provided, single submitter. Criteria: ACMG Guidelines, 2015. Collection method: not provided. Allele origin: germline. Inheritance: Autosomal recessive inheritance. Affected: yes.

PreventionGenetics, part of Exact Sciences
Classification: Likely benign for DSG1-related condition. Last evaluated: 2023-02-28. Review status: no assertion criteria provided. Collection method: clinical testing. Allele origin: germline. Not counted in ClinVar's aggregate classification.
Comment: This variant is classified as likely benign based on ACMG/AMP sequence variant interpretation guidelines (Richards et al. 2015 PMID: 25741868, with internal and published modifications).

NM_001942.4(DSG1):c.2116G>A (p.Ala706Thr)

Genes: DSG1 (desmoglein 1; plus strand), DSG1-AS1 (DSG1 antisense RNA 1; minus strand), LOC126862720 (MED14-independent group 3 enhancer GRCh37_chr18:28933613-28934812; plus strand). Cytogenetic location: 18q12.1.
Variant type: single nucleotide variant.
Coding change: c.2116G>A on transcript NM_001942.4 (MANE Select); coding-DNA position 2116, G replaced by A.
Protein change: p.Ala706Thr; replaces alanine 706 with threonine.
Molecular consequence: missense variant. On other transcripts: non-coding transcript variant (1).
Genome position (GRCh38, 1-based): chr18:31,354,312, G>A. VCF-style: chr18-31354312-G-A. GRCh37 (hg19) VCF-style: chr18-28934275-G-A.
Other names: c.2116G>A (NM_001942.2); short protein forms A706T.
Identifiers: ClinVar variation 777286 (VCV000777286.15), dbSNP rs61730307, ClinGen allele CA8926283.